The following is an entry in ClinVar:

NM_001278512.2(AP3B2):c.610A>C (p.Met204Leu)

Genes: AP3B2 (adaptor related protein complex 3 subunit beta 2; minus strand), CPEB1-AS1 (CPEB1 antisense RNA 1; plus strand). Cytogenetic location: 15q25.2.
Variant type: single nucleotide variant.
Coding change: c.610A>C on transcript NM_001278512.2 (MANE Select); coding-DNA position 610, A replaced by C.
Protein change: p.Met204Leu; replaces methionine 204 with leucine.
Molecular consequence: missense variant.
Genome position (GRCh38, 1-based): chr15:82,680,998, T>G on the plus strand (A>C on the coding strand, the complement: AP3B2 is on the minus strand). VCF-style: chr15-82680998-T-G. GRCh37 (hg19) VCF-style: chr15-83349750-T-G.
Other names: c.514A>C, p.Met172Leu (NM_001278511.2); c.610A>C, p.Met204Leu (NM_004644.5); short protein forms M172L, M204L.
Identifiers: ClinVar variation 1358715 (VCV001358715.6), dbSNP rs2048329593, ClinGen allele CA393296125.
Genomic context (GRCh38, chr15:82,680,998, plus strand): 5'-GTTTCCGGTAGTTTTTGTGAATCAGGTCGATGCGCTCCGGGCAGACCTCCTCAAAGGCCA[T>G]CACCACACTGCCCGCCACCAGCTGGGGAAAGAACAAAGACGAGAGGGTGAACGCGAAGGG-3'
Protein context (NP_001265441.1, residues 194-214): KTTLVAGSVV[Met204Leu]AFEEVCPERI

ClinVar aggregate classification (germline): Uncertain significance (1 of 4 stars; one submission).

Allele frequency attached by ClinVar (database versions not stated): gnomAD exomes below 0.00001.
gnomAD v4.1: 2 of 1,613,786 alleles (0.00012%); no homozygotes.

Submission:

Labcorp Genetics (formerly Invitae), Labcorp
Classification: Uncertain significance. Last evaluated: 2021-04-09. Review status: criteria provided, single submitter. Criteria: Invitae Variant Classification Sherloc (09022015). Collection method: clinical testing. Allele origin: germline.
Comment: This variant has not been reported in the literature in individuals with AP3B2-related conditions. In summary, the available evidence is currently insufficient to determine the role of this variant in disease. Therefore, it has been classified as a Variant of Uncertain Significance. Algorithms developed to predict the effect of missense changes on protein structure and function (SIFT, PolyPhen-2, Align-GVGD) all suggest that this variant is likely to be tolerated, but these predictions have not been confirmed by published functional studies and their clinical significance is uncertain. This variant is not present in population databases (ExAC no frequency). This sequence change replaces methionine with leucine at codon 204 of the AP3B2 protein (p.Met204Leu). The methionine residue is highly conserved and there is a small physicochemical difference between methionine and leucine.